The following is an entry in ClinVar:

NM_000553.6(WRN):c.3088G>A (p.Glu1030Lys)

Gene: WRN (WRN RecQ like helicase; plus strand). Cytogenetic location: 8p12.
Variant type: single nucleotide variant.
Coding change: c.3088G>A on transcript NM_000553.6 (MANE Select); coding-DNA position 3088, G replaced by A.
Protein change: p.Glu1030Lys; replaces glutamic acid 1030 with lysine.
Molecular consequence: missense variant.
Genome position (GRCh38, 1-based): chr8:31,141,550, G>A. VCF-style: chr8-31141550-G-A. GRCh37 (hg19) VCF-style: chr8-30999066-G-A.
Other names: short protein forms E1030K.
Identifiers: ClinVar variation 458441 (VCV000458441.5), dbSNP rs143793363, ClinGen allele CA4704931.

ClinVar aggregate classification (germline): Uncertain significance (1 of 4 stars; one submission).

Conditions:
Werner syndrome (WRN). Identifiers: Orphanet 902, MedGen C0043119, MONDO:0010196, OMIM 277700.

Allele frequency attached by ClinVar (database versions not stated): gnomAD exomes below 0.00001 and 0.00001; TOPMed 0.00001; ExAC 0.00003; ESP Exome Variant Server 0.00008.
gnomAD v4.1: 5 of 1,614,170 alleles (0.00031%); highest among the groups gnomAD compares: Non-Finnish European, 0.00042%; no homozygotes.

Submission:

Labcorp Genetics (formerly Invitae), Labcorp
Classification: Uncertain significance for Werner syndrome. Last evaluated: 2024-09-09. Review status: criteria provided, single submitter. Criteria: Invitae Variant Classification Sherloc (09022015). Collection method: clinical testing. Allele origin: germline.
Comment: This sequence change replaces glutamic acid, which is acidic and polar, with lysine, which is basic and polar, at codon 1030 of the WRN protein (p.Glu1030Lys). This variant is present in population databases (rs143793363, gnomAD 0.003%). This variant has not been reported in the literature in individuals affected with WRN-related conditions. ClinVar contains an entry for this variant (Variation ID: 458441). An algorithm developed to predict the effect of missense changes on protein structure and function (PolyPhen-2) suggests that this variant is likely to be disruptive. RNA analysis performed to evaluate the impact of this missense change on mRNA splicing indicates it does not significantly alter splicing (internal data). In summary, the available evidence is currently insufficient to determine the role of this variant in disease. Therefore, it has been classified as a Variant of Uncertain Significance.